The following is an entry in ClinVar:

NM_004415.4(DSP):c.7915C>G (p.Arg2639Gly)

Gene: DSP (desmoplakin; plus strand). Cytogenetic location: 6p24.3.
Variant type: single nucleotide variant.
Coding change: c.7915C>G on transcript NM_004415.4 (MANE Select); coding-DNA position 7915, C replaced by G.
Protein change: p.Arg2639Gly; replaces arginine 2639 with glycine.
Molecular consequence: missense variant.
Genome position (GRCh38, 1-based): chr6:7,585,177, C>G. VCF-style: chr6-7585177-C-G. GRCh37 (hg19) VCF-style: chr6-7585410-C-G.
Other names: c.6118C>G, p.Arg2040Gly (NM_001008844.3); c.6586C>G, p.Arg2196Gly (NM_001319034.2); short protein forms R2040G, R2196G, R2639G.
Identifiers: ClinVar variation 3071735 (VCV003071735.2), dbSNP rs771553674, ClinGen allele CA362694056.

ClinVar aggregate classification (germline): Uncertain significance. Review status: criteria provided, multiple submitters, no conflicts (2 of 4 stars). 2 submissions from 2 submitters: Uncertain significance (2). Last evaluated 2026-07-10.

Conditions:
Arrhythmogenic cardiomyopathy with wooly hair and keratoderma. Also called: PALMOPLANTAR KERATODERMA WITH LEFT VENTRICULAR CARDIOMYOPATHY AND WOOLLY HAIR; Carvajal syndrome; Dilated cardiomyopathy with woolly hair and keratoderma; Arrhythmogenic cardiomyopathy with woolly hair and keratoderma. Identifiers: Orphanet 65282, MedGen C1854063, MONDO:0011581, OMIM 605676.
Cardiovascular phenotype. Identifiers: MedGen CN230736.

Submissions (2):

Ambry Genetics
Classification: Uncertain significance for Cardiovascular phenotype. Last evaluated: 2026-07-10. Review status: criteria provided, single submitter. Criteria: Ambry Variant Classification Scheme 2023. Collection method: clinical testing. Allele origin: germline.
Comment: The p.R2639G variant (also known as c.7915C>G), located in coding exon 24 of the DSP gene, results from a C to G substitution at nucleotide position 7915. The arginine at codon 2639 is replaced by glycine, an amino acid with dissimilar properties. This amino acid position is conserved. In addition, this alteration is predicted to be deleterious by in silico analysis. Based on the available evidence, the clinical significance of this variant remains unclear.

All of Us Research Program, National Institutes of Health
Classification: Uncertain significance for Arrhythmogenic cardiomyopathy with wooly hair and keratoderma. Last evaluated: 2023-06-28. Review status: criteria provided, single submitter. Criteria: ACMG Guidelines, 2015. Collection method: clinical testing. Allele origin: germline. Inheritance: Autosomal dominant inheritance. Observed: 1 variant allele, 1 heterozygote.
Comment: This study involves interpretation of variants in research participants for the purpose of population health screening. Participant phenotype was not available at the time of variant classification. Additional details can be found in publication PMID: 35346344, PMCID: PMC8962531